The following is an entry in ClinVar:

ClinVar aggregate classification (germline): Uncertain significance (1 of 4 stars; one submission).

Conditions:
Primary ciliary dyskinesia. Also called: Ciliary dyskinesia. Identifiers: Orphanet 244, MedGen C0008780, MONDO:0016575, HP:0012265.

Allele frequency attached by ClinVar (database versions not stated): gnomAD exomes below 0.00001; gnomAD 0.00001.
gnomAD v4.1: 2 of 1,613,872 alleles (0.00012%); highest among the groups gnomAD compares: African/African-American, 0.0013%; no homozygotes.

Submission:

Labcorp Genetics (formerly Invitae), Labcorp
Classification: Uncertain significance for Primary ciliary dyskinesia. Last evaluated: 2025-06-02. Review status: criteria provided, single submitter. Criteria: Invitae Variant Classification Sherloc (09022015). Collection method: clinical testing. Allele origin: germline.
Comment: This sequence change replaces aspartic acid, which is acidic and polar, with glycine, which is neutral and non-polar, at codon 224 of the DNAH8 protein (p.Asp224Gly). This variant is not present in population databases (gnomAD no frequency). This variant has not been reported in the literature in individuals affected with DNAH8-related conditions. ClinVar contains an entry for this variant (Variation ID: 2966610). Experimental studies and prediction algorithms are not available or were not evaluated, and the functional significance of this variant is currently unknown. In summary, the available evidence is currently insufficient to determine the role of this variant in disease. Therefore, it has been classified as a Variant of Uncertain Significance.

NM_001206927.2(DNAH8):c.671A>G (p.Asp224Gly)

Gene: DNAH8 (dynein axonemal heavy chain 8; plus strand). Cytogenetic location: 6p21.2.
Variant type: single nucleotide variant.
Coding change: c.671A>G on transcript NM_001206927.2 (MANE Select); coding-DNA position 671, A replaced by G.
Protein change: p.Asp224Gly; replaces aspartic acid 224 with glycine.
Molecular consequence: missense variant.
Genome position (GRCh38, 1-based): chr6:38,734,534, A>G. VCF-style: chr6-38734534-A-G. GRCh37 (hg19) VCF-style: chr6-38702310-A-G.
Other names: c.20A>G, p.Asp7Gly (NM_001371.4); short protein forms D224G, D7G.
Identifiers: ClinVar variation 2966610 (VCV002966610.3), dbSNP rs1763929974, ClinGen allele CA363985954.
Genomic context (GRCh38, chr6:38,734,534, plus strand): 5'-AATGTGGTCGAACTATTGCTGGAGCAACTAAAGGGGCAAAAATGATGAAATTGTATATAG[A>G]CAATGCAGCCCCGGATAAACTAAAAGGACTGTGCATATTTTTTGTTCGTTGCCGTAATGA-3'
Protein context (NP_001193856.1, residues 214-234): KGAKMMKLYI[Asp224Gly]NAAPDKLKGL